The following is an entry in ClinVar:

NM_003483.6(HMGA2):c.250-36248T>C

Gene: HMGA2 (high mobility group AT-hook 2; plus strand). Cytogenetic location: 12q14.3.
Variant type: single nucleotide variant.
Coding change: c.250-36248T>C on transcript NM_003483.6 (MANE Select); 36248 bases into the intron before coding-DNA position 250, T replaced by C.
Molecular consequence: intron variant. On other transcripts: 3 prime UTR variant (2).
Genome position (GRCh38, 1-based): chr12:65,915,135, T>C. VCF-style: chr12-65915135-T-C. GRCh37 (hg19) VCF-style: chr12-66308915-T-C.
Other names: c.*221T>C (NM_001300919.1); c.*5T>C (NM_003484.1); c.250-36248T>C (NM_001300918.1).
Identifiers: ClinVar variation 3033396 (VCV003033396.2), dbSNP rs2306436, ClinGen allele CA6671889.

ClinVar aggregate classification (germline): Benign (0 of 4 stars; one submission).

Conditions:
HMGA2-related disorder. Also called: HMGA2-related condition.

Allele frequency attached by ClinVar (database versions not stated): gnomAD exomes 0.00048; gnomAD 0.00069; TOPMed 0.00082; ExAC 0.00166; 1000 Genomes Project 30x 0.00515; 1000 Genomes Project 0.00539.
gnomAD v4.1: 801 of 1,613,640 alleles (0.05%); highest among the groups gnomAD compares: East Asian, 1.6%; 4 homozygotes.

Submission:

PreventionGenetics, part of Exact Sciences
Classification: Benign for HMGA2-related condition. Last evaluated: 2019-06-17. Review status: no assertion criteria provided. Collection method: clinical testing. Allele origin: germline.
Comment: This variant is classified as benign based on ACMG/AMP sequence variant interpretation guidelines (Richards et al. 2015 PMID: 25741868, with internal and published modifications).